The following is an entry in ClinVar:

ClinVar aggregate classification (germline): Uncertain significance (1 of 4 stars; one submission).

Conditions:
Myopathy, tubular aggregate, 2 (TAM2). Identifiers: MedGen C4014557, MONDO:0014383, OMIM 615883.
Combined immunodeficiency due to ORAI1 deficiency. Also called: IMMUNODEFICIENCY 9. Identifiers: Orphanet 169090, Orphanet 317428, MedGen C2748568, MONDO:0013007, OMIM 612782.

Submission:

Labcorp Genetics (formerly Invitae), Labcorp
Classification: Uncertain significance for Myopathy, tubular aggregate, 2; Combined immunodeficiency due to ORAI1 deficiency. Last evaluated: 2023-12-09. Review status: criteria provided, single submitter. Criteria: Invitae Variant Classification Sherloc (09022015). Collection method: clinical testing. Allele origin: germline.
Comment: This sequence change replaces glycine, which is neutral and non-polar, with arginine, which is basic and polar, at codon 35 of the ORAI1 protein (p.Gly35Arg). This variant is present in population databases (no rsID available, gnomAD 0.006%). This variant has not been reported in the literature in individuals affected with ORAI1-related conditions. Experimental studies and prediction algorithms are not available or were not evaluated, and the functional significance of this variant is currently unknown. In summary, the available evidence is currently insufficient to determine the role of this variant in disease. Therefore, it has been classified as a Variant of Uncertain Significance.

NM_032790.4(ORAI1):c.103G>A (p.Gly35Arg)

Genes: ORAI1 (ORAI calcium release-activated calcium modulator 1; plus strand), LOC130008987 (ATAC-STARR-seq lymphoblastoid silent region 4981; plus strand). Cytogenetic location: 12q24.31.
Variant type: single nucleotide variant.
Coding change: c.103G>A on transcript NM_032790.4 (MANE Select); coding-DNA position 103, G replaced by A.
Protein change: p.Gly35Arg; replaces glycine 35 with arginine.
Molecular consequence: missense variant. On other transcripts: non-coding transcript variant (1).
Genome position (GRCh38, 1-based): chr12:121,626,845, G>A. VCF-style: chr12-121626845-G-A. GRCh37 (hg19) VCF-style: chr12-122064750-G-A.
Other names: short protein forms G35R.
Identifiers: ClinVar variation 2937007 (VCV002937007.3), dbSNP rs1555322508, ClinGen allele CA386980534.